The following is an entry in ClinVar:

ClinVar aggregate classification (germline): Uncertain significance (1 of 4 stars; one submission).

Conditions:
Hereditary spastic paraplegia 73. Also called: Spastic paraplegia 73, autosomal dominant. Identifiers: Orphanet 444099, MedGen C5568981, MONDO:0014568, OMIM 616282.

Submission:

Labcorp Genetics (formerly Invitae), Labcorp
Classification: Uncertain significance for Hereditary spastic paraplegia 73. Last evaluated: 2024-10-21. Review status: criteria provided, single submitter. Criteria: Invitae Variant Classification Sherloc (09022015). Collection method: clinical testing. Allele origin: germline.
Comment: This sequence change creates a premature translational stop signal (p.Asp715Metfs*3) in the CPT1C gene. While this is not anticipated to result in nonsense mediated decay, it is expected to disrupt the last 78 amino acid(s) of the CPT1C protein. This variant is not present in population databases (gnomAD no frequency). This premature translational stop signal has been observed in individual(s) with hereditary spastic paraplegia (internal data). In summary, the available evidence is currently insufficient to determine the role of this variant in disease. Therefore, it has been classified as a Variant of Uncertain Significance.

NM_001199753.2(CPT1C):c.2176del (p.Asp726fs)

Gene: CPT1C (carnitine palmitoyltransferase 1C; plus strand). Cytogenetic location: 19q13.33.
Variant type: Deletion.
Coding change: c.2176del on transcript NM_001199753.2 (MANE Select); coding-DNA position 2176, one base deleted (G; older notation c.2176delG).
Protein change: p.Asp726fs; shifts the reading frame from aspartic acid 726.
Molecular consequence: frameshift variant. On other transcripts: non-coding transcript variant (1).
Genome position (GRCh38, 1-based): chr19:49,713,014, G deleted; the last of 5 consecutive G bases (chr19:49,713,010-49,713,014); deleting any one gives the same sequence. VCF-style (leftmost placement, unchanged base first): chr19-49713009-TG-T. GRCh37 (hg19) VCF-style: chr19-50216266-TG-T.
Other names: c.2143del, p.Asp715fs (NM_001136052.3, NM_001378485.1); c.2176del, p.Asp726fs (NM_001199752.3, NM_001378483.1, NM_001378484.1 and 1 more transcripts); c.2242del, p.Asp748fs (NM_001378482.1); c.2041del, p.Asp681fs (NM_001378486.1, NM_001378488.1); c.2008del, p.Asp670fs (NM_001378487.1); short protein forms D715fs, D670fs, D748fs, D681fs, D726fs.
Identifiers: ClinVar variation 3682785 (VCV003682785.2).